The following is an entry in ClinVar:

NM_001930.4(DHPS):c.518A>G (p.Asn173Ser)

Gene: DHPS (deoxyhypusine synthase; minus strand). Cytogenetic location: 19p13.13.
Variant type: single nucleotide variant.
Coding change: c.518A>G on transcript NM_001930.4 (MANE Select); coding-DNA position 518, A replaced by G.
Protein change: p.Asn173Ser; replaces asparagine 173 with serine.
Molecular consequence: missense variant. On other transcripts: 5 prime UTR variant (1), non-coding transcript variant (4).
Genome position (GRCh38, 1-based): chr19:12,679,696, T>C on the plus strand (A>G on the coding strand, the complement: DHPS is on the minus strand). VCF-style: chr19-12679696-T-C. GRCh37 (hg19) VCF-style: chr19-12790510-T-C.
Other names: c.392A>G, p.Asn131Ser (NM_001206974.2); c.518A>G, p.Asn173Ser (NM_001369691.1, NM_001369692.1, NM_013406.3); c.-32A>G (NM_001369693.1); short protein forms N173S, N131S.
Identifiers: ClinVar variation 560194 (VCV000560194.12), dbSNP rs758100382, ClinGen allele CA9227785.
Genomic context (GRCh38, chr19:12,679,696, plus strand): 5'-TCCATCACCATCTGGTCCAGAATGGGCATCAGCCAGTCCTCAAACTTGCAGTAATTCTCA[T>C]TGGGCACCAGCAGGTTTCCGATCCTGAGAACAGGAGGCATGTAGGCATCAGGCCCCAGGA-3'
Protein context (NP_001921.1, residues 163-183): INRIGNLLVP[Asn173Ser]ENYCKFEDWL

ClinVar aggregate classification (germline): Conflicting classifications of pathogenicity. Review status: criteria provided, conflicting classifications (1 of 4 stars). 9 submissions from 9 submitters: Pathogenic (4); Likely pathogenic (3); Uncertain significance (1). 1 of the submissions does not count toward it. Last evaluated 2025-04-22.

Conditions:
DHPS-related disorder. Also called: DHPS-related condition.
Neurodevelopmental disorder with seizures and speech and walking impairment. Identifiers: MedGen C5193119, MONDO:0032775, OMIM 618480.

Allele frequency attached by ClinVar (database versions not stated): TOPMed 0.00004; gnomAD 0.00005 and 0.00006; gnomAD exomes 0.00006 and 0.00010; ExAC 0.00009.
gnomAD v4.1: 153 of 1,614,054 alleles (0.0095%); highest among the groups gnomAD compares: Non-Finnish European, 0.011%; no homozygotes.

Submissions (9):

Variantyx, Inc.
Classification: Likely pathogenic for Neurodevelopmental disorder with seizures and speech and walking impairment. Last evaluated: 2025-04-22. Review status: criteria provided, single submitter. Criteria: Variantyx Assertion Criteria 2022. Collection method: clinical testing. Allele origin: germline. Inheritance: Autosomal recessive inheritance. Affected: yes.
Comment: This is a nonsynonymous variant in the DHPS gene (OMIM: 600944). Pathogenic variants in this gene have been associated with autosomal recessive neurodevelopmental disorder with seizures and speech and walking impairment. This variant has been identified in the compound heterozygous state in at least 4 individuals reported in the published literature (PMID: 30661771 ) (PM3_Strong). Computational algorithms produce conflicting evidence regarding the predicted functional impact of this variant (REVEL score: 0.347), but functional studies have shown that this variant alters DHPS protein function (PMID: 30661771) (PS3_Moderate). This variant has a 0.0114% maximum allele frequency in non-founder control populations (PM2). Based on the current evidence, this variant is classified as likely pathogenic for autosomal recessive neurodevelopmental disorder with seizures and speech and walking impairment.

Victorian Clinical Genetics Services, Murdoch Childrens Research Institute
Classification: Pathogenic for Neurodevelopmental disorder with seizures and speech and walking impairment. Last evaluated: 2024-10-09. Review status: criteria provided, single submitter. Criteria: ACMG Guidelines, 2015. Collection method: clinical testing. Allele origin: germline. Inheritance: Autosomal recessive inheritance. Affected: yes.
Comment: Based on the classification scheme VCGS_Germline_v1.3.4, this variant is classified as Pathogenic. Following criteria are met: 0102 - Loss of function is a known mechanism of disease in this gene and is associated with neurodevelopmental disorder with seizures and speech and walking impairment, (MIM#618480). (I) 0106 - This gene is associated with autosomal recessive disease. (I) 0200 - Variant is predicted to result in a missense amino acid change from asparagine to serine. (I) 0251 - This variant is heterozygous. (I) 0304 - Variant is present in gnomAD (v2) <0.01 for a recessive condition (16 heterozygotes, 0 homozygotes). (SP) 0502 - Missense variant with conflicting in silico predictions and uninformative conservation. (I) 0600 - Variant is located in the annotated deoxyhypusine synthase domain (DECIPHER). (I) 0705 - No comparable missense variants have previous evidence for pathogenicity. (I) 0801 - This variant has strong previous evidence of pathogenicity in unrelated individuals. This variant has been reported as pathogenic three times (ClinVar) and in five affected individuals from four unrelated families who were compound heterozygous for this variant (PMID: 30661771). (SP) 1002 - This variant has moderate functional evidence supporting abnormal protein function. Transfected cell lines with the p.(Asn173Ser) variant demonstrated only partial enzyme activity, approximately 20% of wild type enzymatic activity (PMID:30661771). (SP) 1201 - Heterozygous variant detected in trans with a second pathogenic heterozygous variant (NM_001930.3:c.1014+1G>A) in a recessive disease. (I) Legend: (SP) - Supporting pathogenic, (I) - Information, (SB) - Supporting benign

Blueprint Genetics
Classification: Uncertain significance. Last evaluated: 2023-10-31. Review status: criteria provided, single submitter. Criteria: ACMG Guidelines, 2015. Collection method: clinical testing. Allele origin: germline.

PreventionGenetics, part of Exact Sciences
Classification: Pathogenic for DHPS-related condition. Last evaluated: 2023-02-21. Review status: criteria provided, single submitter. Criteria: ACMG Guidelines, 2015. Collection method: clinical testing. Allele origin: germline.
Comment: The DHPS c.518A>G variant is predicted to result in the amino acid substitution p.Asn173Ser. This variant was reported in the compound heterozygous state, in trans with a predicted loss-of-function variant, in all five affected individuals described in the DHPS index study (Ganapathi et al 2019. PubMed ID: 30661771). This variant is reported in 0.012% of alleles in individuals of European (Non-Finnish) descent in gnomAD. This variant is interpreted as pathogenic.

GeneDx
Classification: Pathogenic. Last evaluated: 2022-01-05. Review status: criteria provided, single submitter. Criteria: GeneDx Variant Classification Process June 2021. Collection method: clinical testing. Allele origin: germline. Affected: yes.
Comment: In vitro assays demonstrate N173S loss of function (Ganapathi M, 2019); In silico analysis, which includes protein predictors and evolutionary conservation, supports a deleterious effect; In-silico analysis is inconclusive as to whether the variant alters gene splicing. In the absence of RNA/functional studies, the actual effect of this sequence change is unknown.; This variant is associated with the following publications: (PMID: 30661771, 34273022)

Illumina Laboratory Services, Illumina
Classification: Pathogenic for Neurodevelopmental disorder with seizures and speech and walking impairment. Last evaluated: 2020-04-22. Review status: criteria provided, single submitter. Criteria: ICSLVariantClassificationCriteria RUGD 01 April 2020. Collection method: clinical testing. Allele origin: unknown.
Comment: The DHPS c.518A>G (p.Asn173Ser) variant is a missense variant, which has been identified in a compound heterozygous state in at least five individuals with neurodevelopmental disorder from four unrelated families (Ganapathi et al. 2019). The p.Asn173Ser variant is reported at a frequency of 0.000116 in the European (non-Finnish) population in the Genome Aggregation Database (version 2.1.1). Functional studies demonstrate that the p.(Asn173Ser) variant exhibited partial enzymatic activity, ranging from 18% to 25% of that of wild-type DHPS resulting in impaired biosynthesis of deoxyhypusine (Ganapathi et al. 2019). Based on the collective evidence the c.518A>G (p.Asn173Ser) variant is classified as pathogenic for neurodevelopmental disorder with seizures and speech and walking impairment.

SIB Swiss Institute of Bioinformatics
Classification: Likely pathogenic for Neurodevelopmental disorder with seizures and speech and walking impairment. Last evaluated: 2019-10-22. Review status: criteria provided, single submitter. Criteria: ACMG Guidelines, 2015. Collection method: curation. Allele origin: unknown.
Comment: This variant is interpreted as Likely pathogenic for Neurodevelopmental disorder with seizures and speech and walking impairment, autosomal recessive. The following ACMG Tag(s) were applied: PM2, PP3, PP1, PM3, PS3-Moderate.

Groupe Hospitalier Pitie Salpetriere, Uf Genomique Du Developpement, Assistance Publique Hopitaux de Paris Sorbonne Université
Classification: Likely pathogenic for Neurodevelopmental disorder with seizures and speech and walking impairment. Review status: criteria provided, single submitter. Criteria: ACMG Guidelines, 2015. Collection method: clinical testing. Allele origin: germline. Affected: yes.
Comment: This variant is absent or extremely rare in population databases (PM2_supp) and very strong evidence from reputable sources reporting the variant as pathogenic (PP5_very strong)

OMIM
Classification: Pathogenic for NEURODEVELOPMENTAL DISORDER WITH SEIZURES AND SPEECH AND WALKING IMPAIRMENT. Last evaluated: 2019-06-24. Review status: no assertion criteria provided. Collection method: literature only. Allele origin: germline. Not counted in ClinVar's aggregate classification.

Literature cited by the submitters: PubMed 30661771 (cited by 5 submitters).